The following is an entry in ClinVar:

ClinVar aggregate classification (germline): Uncertain significance (1 of 4 stars; one submission).

Conditions:
Neurofibromatosis, type 1 (NF1). Also called: VON RECKLINGHAUSEN DISEASE; Peripheral type neurofibromatosis; Neurofibromatosis, type I; NEUROFIBROMATOSIS, TYPE I, SOMATIC. Identifiers: Orphanet 636, MedGen C0027831, MONDO:0018975, OMIM 162200. Disease mechanism: loss of function.

Submission:

Labcorp Genetics (formerly Invitae), Labcorp
Classification: Uncertain significance for Neurofibromatosis, type 1. Last evaluated: 2022-12-20. Review status: criteria provided, single submitter. Criteria: Invitae Variant Classification Sherloc (09022015). Collection method: clinical testing. Allele origin: germline.
Comment: In summary, the available evidence is currently insufficient to determine the role of this variant in disease. Therefore, it has been classified as a Variant of Uncertain Significance. Advanced modeling of protein sequence and biophysical properties (such as structural, functional, and spatial information, amino acid conservation, physicochemical variation, residue mobility, and thermodynamic stability) performed at Invitae indicates that this missense variant is expected to disrupt NF1 protein function. This variant has not been reported in the literature in individuals affected with NF1-related conditions. This variant is not present in population databases (gnomAD no frequency). This sequence change replaces lysine, which is basic and polar, with threonine, which is neutral and polar, at codon 1995 of the NF1 protein (p.Lys1995Thr).

NM_001042492.3(NF1):c.6047A>C (p.Lys2016Thr)

Gene: NF1 (neurofibromin 1; plus strand). Cytogenetic location: 17q11.2.
Variant type: single nucleotide variant.
Coding change: c.6047A>C on transcript NM_001042492.3 (MANE Select); coding-DNA position 6047, A replaced by C.
Protein change: p.Lys2016Thr; replaces lysine 2016 with threonine.
Molecular consequence: missense variant.
Genome position (GRCh38, 1-based): chr17:31,336,373, A>C. VCF-style: chr17-31336373-A-C. GRCh37 (hg19) VCF-style: chr17-29663391-A-C.
Other names: c.5984A>C, p.Lys1995Thr (NM_000267.4); short protein forms K2016T, K1995T.
Identifiers: ClinVar variation 2822286 (VCV002822286.3), dbSNP rs2151553277, ClinGen allele CA399011084.